The following is an entry in ClinVar:

NM_005685.4(GTF2IRD1):c.447G>T (p.Val149=)

Gene: GTF2IRD1 (GTF2I repeat domain containing 1; plus strand). Cytogenetic location: 7q11.23.
Variant type: single nucleotide variant.
Coding change: c.447G>T on transcript NM_005685.4 (MANE Select); coding-DNA position 447, G replaced by T.
Protein change: p.Val149=; no amino-acid change (valine 149 retained).
Molecular consequence: synonymous variant.
Genome position (GRCh38, 1-based): chr7:74,518,164, G>T. VCF-style: chr7-74518164-G-T. GRCh37 (hg19) VCF-style: chr7-73932494-G-T.
Other names: c.543G>T, p.Val181= (NM_001199207.2); c.447G>T, p.Val149= (NM_001410888.1, NM_016328.3).
Identifiers: ClinVar variation 2657595 (VCV002657595.25), dbSNP rs145535993, ClinGen allele CA4296513.

ClinVar aggregate classification (germline): Benign/Likely benign. Review status: criteria provided, multiple submitters, no conflicts (2 of 4 stars). 2 submissions from 2 submitters: Benign (1); Likely benign (1). Last evaluated 2026-06-01.

Allele frequency attached by ClinVar (database versions not stated): 1000 Genomes Project 0.00379; gnomAD 0.00730; TOPMed 0.00858; ESP Exome Variant Server 0.00940; 1000 Genomes Project 30x 0.00359; ExAC 0.01027.
gnomAD v4.1: 14,459 of 1,600,966 alleles (0.9%); highest among the groups gnomAD compares: Non-Finnish European, 1.1%; 82 homozygotes.

Submissions (2):

CeGaT Center for Human Genetics Tuebingen
Classification: Benign. Last evaluated: 2026-06-01. Review status: criteria provided, single submitter. Criteria: CeGaT Center For Human Genetics Tuebingen Variant Classification Criteria Version 2. Collection method: clinical testing. Allele origin: germline. Affected: yes. Observed: 13 variant alleles.
Comment: GTF2IRD1: BP4, BS1, BS2

Blueprint Genetics
Classification: Likely benign. Last evaluated: 2024-11-27. Review status: criteria provided, single submitter. Criteria: ACMG Guidelines, 2015. Collection method: clinical testing. Allele origin: germline.